The following is an entry in ClinVar:

ClinVar aggregate classification (germline): Pathogenic. Review status: criteria provided, single submitter (1 of 4 stars). 2 submissions from 1 submitter: Pathogenic (1). 1 of the submissions does not count toward it. Last evaluated 2022-12-16.

Conditions:
Familial hypercholesterolemia. Also called: Familial hypercholesterolemias; Familial hypercholesterolaemia. Identifiers: MedGen C0020445, MONDO:0005439.
Hypercholesterolemia, familial, 1. Also called: LDL RECEPTOR DISORDER; Hyperlipoproteinemia Type IIa; HYPER-LOW-DENSITY-LIPOPROTEINEMIA; HYPERCHOLESTEROLEMIC XANTHOMATOSIS, FAMILIAL; Fredrickson type IIa hyperlipoproteinemia; Hyperlipoproteinemia type 2. Identifiers: Orphanet 391665, MedGen C0745103, MONDO:0007750, OMIM 143890.

Submissions (2):

Research Laboratories, P. D. Hinduja Hospital & MRC
Classification: Pathogenic for Familial hypercholesterolemia. Last evaluated: 2022-12-16. Review status: criteria provided, single submitter. Criteria: ACMG Guidelines, 2015. Collection method: research. Allele origin: germline. Affected: yes. Observed: 1 variant allele, 1 heterozygote.
Comment: This variant was identified as part of the ICMR-funded project (Ref No. 2020-3881). A frameshift deletion in ABCA5 (NM_018672.5), exon 2: c.248delC, causing a proline-to-glutamine substitution at codon 83 and introducing a premature stop codon 2 residues downstream. To our knowledge, functional studies specific to this variant have not been reported. This variant has not been described in individuals with Familial Hypercholesterolemia (FH) in the literature; however, the ABCA5 gene is associated with lipid metabolism according to the LIPID MAPS Proteome Database (LMPD). Computational predictions using MutationTaster and PolyPhen-2 suggest that this variant is likely deleterious and possibly damaging to protein function (GRCh38).

Research Laboratories, P. D. Hinduja Hospital & MRC
Classification: Pathogenic for Hypercholesterolemia, familial, 1. Last evaluated: 2022-12-16. Review status: no assertion criteria provided. Collection method: case-control. Allele origin: germline. Affected: yes. Observed: 1 variant allele, 1 heterozygote. Not counted in ClinVar's aggregate classification.
Comment: the same text as in the submission from Research Laboratories, P. D. Hinduja Hospital & MRC above.

NM_172232.4(ABCA5):c.248del (p.Pro83fs)

Gene: ABCA5 (ATP binding cassette subfamily A member 5; minus strand). Cytogenetic location: 17q24.3.
Variant type: Deletion.
Coding change: c.248del on transcript NM_172232.4 (MANE Select); coding-DNA position 248, one base deleted (C; older notation c.248delC).
Protein change: p.Pro83fs; shifts the reading frame from proline 83.
Molecular consequence: frameshift variant.
Genome position (GRCh38, 1-based): chr17:69,313,151, G deleted on the plus strand (C on the coding strand, the reverse complement: ABCA5 is on the minus strand); the first of 2 consecutive G bases (chr17:69,313,151-69,313,152); deleting either gives the same sequence. VCF-style (leftmost placement, unchanged base first): chr17-69313150-TG-T. GRCh37 (hg19) VCF-style: chr17-67309291-TG-T.
Other names: c.248delC (NM_018672.5); c.248del, p.Pro83fs (NM_018672.5); short protein forms P83fs.
Identifiers: ClinVar variation 4070980 (VCV004070980.2).